The following is an entry in ClinVar:

ClinVar aggregate classification (germline): Uncertain significance (1 of 4 stars; one submission).

Allele frequency attached by ClinVar (database versions not stated): gnomAD exomes below 0.00001.
gnomAD v4.1: 1 of 1,600,698 alleles (0.000062%); highest among the groups gnomAD compares: Admixed American, 0.0017%; no homozygotes.

Submission:

Labcorp Genetics (formerly Invitae), Labcorp
Classification: Uncertain significance. Last evaluated: 2024-10-07. Review status: criteria provided, single submitter. Criteria: Invitae Variant Classification Sherloc (09022015). Collection method: clinical testing. Allele origin: germline.
Comment: This sequence change replaces aspartic acid, which is acidic and polar, with valine, which is neutral and non-polar, at codon 822 of the RBBP8 protein (p.Asp822Val). This variant is present in population databases (no rsID available, gnomAD 0.003%). This variant has not been reported in the literature in individuals affected with RBBP8-related conditions. ClinVar contains an entry for this variant (Variation ID: 1439193). An algorithm developed to predict the effect of missense changes on protein structure and function (PolyPhen-2) suggests that this variant is likely to be disruptive. In summary, the available evidence is currently insufficient to determine the role of this variant in disease. Therefore, it has been classified as a Variant of Uncertain Significance.

NM_002894.3(RBBP8):c.2465A>T (p.Asp822Val)

Gene: RBBP8 (RB binding protein 8, endonuclease; plus strand). Cytogenetic location: 18q11.2.
Variant type: single nucleotide variant.
Coding change: c.2465A>T on transcript NM_002894.3 (MANE Select); coding-DNA position 2465, A replaced by T.
Protein change: p.Asp822Val; replaces aspartic acid 822 with valine.
Molecular consequence: missense variant.
Genome position (GRCh38, 1-based): chr18:23,022,139, A>T. VCF-style: chr18-23022139-A-T. GRCh37 (hg19) VCF-style: chr18-20602102-A-T.
Other names: c.2465A>T, p.Asp822Val (NM_203291.2); c.2368A>T, p.Ile790Leu (NM_203292.2); short protein forms I790L, D822V.
Identifiers: ClinVar variation 1439193 (VCV001439193.6), dbSNP rs1254417814, ClinGen allele CA401803396.